The following is an entry in ClinVar:

NM_152468.5(TMC8):c.1766G>A (p.Arg589His)

Gene: TMC8 (transmembrane channel like 8; plus strand). Cytogenetic location: 17q25.3.
Variant type: single nucleotide variant.
Coding change: c.1766G>A on transcript NM_152468.5 (MANE Select); coding-DNA position 1766, G replaced by A.
Protein change: p.Arg589His; replaces arginine 589 with histidine.
Molecular consequence: missense variant.
Genome position (GRCh38, 1-based): chr17:78,138,675, G>A. VCF-style: chr17-78138675-G-A. GRCh37 (hg19) VCF-style: chr17-76134756-G-A.
Other names: short protein forms R589H.
Identifiers: ClinVar variation 1519104 (VCV001519104.6), dbSNP rs535003756, ClinGen allele CA8796976.
Genomic context (GRCh38, chr17:78,138,675, plus strand): 5'-CAGCACCCTGGCAAGTGGTCCCGGAGCTGGTGGCCCTTGGGCTCCCGCCCATTGGCCAGC[G>A]TGCCCTCCACTACCTGGGCTCCCACGCCTTCAGCTTCCCCCTCCTCATCATGCTCAGGTT-3'
Protein context (NP_689681.2, residues 579-599): VALGLPPIGQ[Arg589His]ALHYLGSHAF

ClinVar aggregate classification (germline): Uncertain significance (1 of 4 stars; one submission).

Conditions:
Epidermodysplasia verruciformis. Identifiers: Orphanet 302, MedGen C0014522, MONDO:0009176.

Allele frequency attached by ClinVar (database versions not stated): gnomAD exomes 0.00001 and 0.00004; ExAC 0.00003; gnomAD 0.00006; 1000 Genomes Project 30x 0.00016; 1000 Genomes Project 0.00020.

Submission:

Labcorp Genetics (formerly Invitae), Labcorp
Classification: Uncertain significance for Epidermodysplasia verruciformis. Last evaluated: 2024-06-08. Review status: criteria provided, single submitter. Criteria: Invitae Variant Classification Sherloc (09022015). Collection method: clinical testing. Allele origin: germline.
Comment: This sequence change replaces arginine, which is basic and polar, with histidine, which is basic and polar, at codon 589 of the TMC8 protein (p.Arg589His). This variant is present in population databases (rs535003756, gnomAD 0.07%). This variant has not been reported in the literature in individuals affected with TMC8-related conditions. ClinVar contains an entry for this variant (Variation ID: 1519104). Advanced modeling of protein sequence and biophysical properties (such as structural, functional, and spatial information, amino acid conservation, physicochemical variation, residue mobility, and thermodynamic stability) performed at Invitae indicates that this missense variant is not expected to disrupt TMC8 protein function with a negative predictive value of 80%. In summary, the available evidence is currently insufficient to determine the role of this variant in disease. Therefore, it has been classified as a Variant of Uncertain Significance.